The following is an entry in ClinVar:

ClinVar aggregate classification (germline): Uncertain significance (1 of 4 stars; one submission).

Submission:

Labcorp Genetics (formerly Invitae), Labcorp
Classification: Uncertain significance. Last evaluated: 2021-04-29. Review status: criteria provided, single submitter. Criteria: Invitae Variant Classification Sherloc (09022015). Collection method: clinical testing. Allele origin: germline.
Comment: In summary, the available evidence is currently insufficient to determine the role of this variant in disease. Therefore, it has been classified as a Variant of Uncertain Significance. Nucleotide substitutions within the consensus splice site are a relatively common cause of aberrant splicing (PMID: 17576681, 9536098). Algorithms developed to predict the effect of sequence changes on RNA splicing suggest that this variant is not likely to affect RNA splicing, but this prediction has not been confirmed by published transcriptional studies. This variant has not been reported in the literature in individuals with ATR-related conditions. This variant is not present in population databases (ExAC no frequency). This sequence change falls in intron 23 of the ATR gene. It does not directly change the encoded amino acid sequence of the ATR protein. It affects a nucleotide within the consensus splice site of the intron.

Literature cited by the submitters: PubMed 17576681; PubMed 9536098.

NM_001184.4(ATR):c.4266+6A>G

Gene: ATR (ATR checkpoint kinase; minus strand). Cytogenetic location: 3q23.
Variant type: single nucleotide variant.
Coding change: c.4266+6A>G on transcript NM_001184.4 (MANE Select); 6 bases into the intron after coding-DNA position 4266, A replaced by G.
Molecular consequence: intron variant.
Genome position (GRCh38, 1-based): chr3:142,522,722, T>C on the plus strand (A>G on the coding strand, the complement: ATR is on the minus strand). VCF-style: chr3-142522722-T-C. GRCh37 (hg19) VCF-style: chr3-142241564-T-C.
Other names: c.4074+6A>G (NM_001354579.2).
Identifiers: ClinVar variation 1350075 (VCV001350075.6), dbSNP rs2108395383, ClinGen allele CA2573136610.